The following is an entry in ClinVar:

NM_001365536.1(SCN9A):c.3598C>T (p.Leu1200Phe)

Genes: SCN1A-AS1 (SCN1A and SCN9A antisense RNA 1; plus strand), SCN9A (sodium voltage-gated channel alpha subunit 9; minus strand). Cytogenetic location: 2q24.3.
Variant type: single nucleotide variant.
Coding change: c.3598C>T on transcript NM_001365536.1 (MANE Select); coding-DNA position 3598, C replaced by T.
Protein change: p.Leu1200Phe; replaces leucine 1200 with phenylalanine.
Molecular consequence: missense variant.
Genome position (GRCh38, 1-based): chr2:166,242,531, G>A on the plus strand (C>T on the coding strand, the complement: SCN9A is on the minus strand). VCF-style: chr2-166242531-G-A. GRCh37 (hg19) VCF-style: chr2-167099041-G-A.
Other names: c.3565C>T, p.Leu1189Phe (NM_002977.4); short protein forms L1189F, L1200F.
Identifiers: ClinVar variation 430173 (VCV000430173.14), dbSNP rs201233540, ClinGen allele CA59814600.
Genomic context (GRCh38, chr2:166,242,531, plus strand): 5'-AATATATTGACTTAGGTGTCAGATCATTTACCAGGGCACCACTGCTGAGCAGGATCATGA[G>A]GACAATGAAGCTTTCAAACCAACTGTGTTCAACAATCTTGTAGCAGGTTTTCCTGATGTT-3'
Protein context (NP_001352465.1, residues 1190-1210): EHSWFESFIV[Leu1200Phe]MILLSSGALA

ClinVar aggregate classification (germline): Uncertain significance. Review status: criteria provided, multiple submitters, no conflicts (2 of 4 stars). 3 submissions from 3 submitters: Uncertain significance (3). Last evaluated 2026-09-04.

Conditions:
SCN9A-related disorder. Also called: SCN9A-related disorders; SCN9A-related condition.
Generalized epilepsy with febrile seizures plus, type 7 (GEFSP7). Also called: GEFS+, TYPE 7. Identifiers: Orphanet 36387, MedGen C2751778, MONDO:0013470, OMIM 613863.
Neuropathy, hereditary sensory and autonomic, type 2A (HSAN2A). Also called: ACROOSTEOLYSIS, GIACCAI TYPE; ACROOSTEOLYSIS, NEUROGENIC; HSAN IIA; WNK1-Related HSAN2 (HSAN2A); MORVAN DISEASE; NEUROPATHY, CONGENITAL SENSORY. Identifiers: Orphanet 970, MedGen C2752089, MONDO:0024309, OMIM 201300.

Allele frequency attached by ClinVar (database versions not stated): gnomAD exomes below 0.00001 and 0.00001; TOPMed below 0.00001; gnomAD 0.00002.
gnomAD v4.1: 23 of 1,596,902 alleles (0.0014%); highest among the groups gnomAD compares: Non-Finnish European, 0.0019%; no homozygotes.

Submissions (3):

PreventionGenetics, part of Exact Sciences
Classification: Uncertain significance for SCN9A-related condition. Last evaluated: 2026-09-04. Review status: criteria provided, single submitter. Criteria: ACMG Guidelines, 2015. Collection method: clinical testing. Allele origin: germline.
Comment: The SCN9A c.3565C>T variant is predicted to result in the amino acid substitution p.Leu1189Phe. To our knowledge, this variant has not been reported in the literature. This variant is reported in 0.0017% of alleles in individuals of European (Non-Finnish) descent in gnomAD. At this time, the clinical significance of this variant is uncertain due to the absence of conclusive functional and genetic evidence.

Labcorp Genetics (formerly Invitae), Labcorp
Classification: Uncertain significance for Neuropathy, hereditary sensory and autonomic, type 2A; Generalized epilepsy with febrile seizures plus, type 7. Last evaluated: 2025-08-16. Review status: criteria provided, single submitter. Criteria: Invitae Variant Classification Sherloc (09022015). Collection method: clinical testing. Allele origin: germline.
Comment: This sequence change replaces leucine, which is neutral and non-polar, with phenylalanine, which is neutral and non-polar, at codon 1189 of the SCN9A protein (p.Leu1189Phe). The frequency data for this variant in the population databases is considered unreliable, as metrics indicate poor data quality at this position in the gnomAD database. This variant has not been reported in the literature in individuals affected with SCN9A-related conditions. ClinVar contains an entry for this variant (Variation ID: 430173). Invitae Evidence Modeling of protein sequence and biophysical properties (such as structural, functional, and spatial information, amino acid conservation, physicochemical variation, residue mobility, and thermodynamic stability) indicates that this missense variant is not expected to disrupt SCN9A protein function with a negative predictive value of 95%. In summary, the available evidence is currently insufficient to determine the role of this variant in disease. Therefore, it has been classified as a Variant of Uncertain Significance.

GeneDx
Classification: Uncertain significance. Last evaluated: 2023-09-17. Review status: criteria provided, single submitter. Criteria: GeneDx Variant Classification Process June 2021. Collection method: clinical testing. Allele origin: germline. Affected: yes.
Comment: Not observed at significant frequency in large population cohorts (gnomAD); In silico analysis supports that this missense variant does not alter protein structure/function; Has not been previously published as pathogenic or benign to our knowledge